The following is an entry in ClinVar:

ClinVar aggregate classification (germline): Uncertain significance (1 of 4 stars; one submission).

Conditions:
Inborn genetic diseases. Identifiers: MedGen C0950123, MeSH D030342.

Allele frequency attached by ClinVar (database versions not stated): gnomAD 0.00002; TOPMed 0.00002.
gnomAD v4.1: 5 of 1,613,984 alleles (0.00031%); highest among the groups gnomAD compares: African/African-American, 0.004%; no homozygotes.

Submission:

Ambry Genetics
Classification: Uncertain significance for Inborn genetic diseases. Last evaluated: 2023-09-23. Review status: criteria provided, single submitter. Criteria: Ambry Variant Classification Scheme 2023. Collection method: clinical testing. Allele origin: germline.
Comment: The p.S859I variant (also known as c.2576G>T), located in coding exon 13 of the F5 gene, results from a G to T substitution at nucleotide position 2576. The serine at codon 859 is replaced by isoleucine, an amino acid with dissimilar properties. This amino acid position is conserved. In addition, this alteration is predicted to be tolerated by in silico analysis. Since supporting evidence is limited at this time, the clinical significance of this alteration remains unclear.

NM_000130.5(F5):c.2576G>T (p.Ser859Ile)

Gene: F5 (coagulation factor V; minus strand). Cytogenetic location: 1q24.2.
Variant type: single nucleotide variant.
Coding change: c.2576G>T on transcript NM_000130.5 (MANE Select); coding-DNA position 2576, G replaced by T.
Protein change: p.Ser859Ile; replaces serine 859 with isoleucine.
Molecular consequence: missense variant.
Genome position (GRCh38, 1-based): chr1:169,542,514, C>A on the plus strand (G>T on the coding strand, the complement: F5 is on the minus strand). VCF-style: chr1-169542514-C-A. GRCh37 (hg19) VCF-style: chr1-169511752-C-A.
Other names: short protein forms S859I.
Identifiers: ClinVar variation 3230346 (VCV003230346.1), dbSNP rs1170815968, ClinGen allele CA343120600.